The following is an entry in ClinVar:

NM_004985.5(KRAS):c.214A>T (p.Met72Leu)

Gene: KRAS (KRAS proto-oncogene, GTPase; minus strand). Cytogenetic location: 12p12.1.
Variant type: single nucleotide variant.
Coding change: c.214A>T on transcript NM_004985.5 (MANE Select); coding-DNA position 214, A replaced by T.
Protein change: p.Met72Leu; replaces methionine 72 with leucine.
Molecular consequence: missense variant.
Genome position (GRCh38, 1-based): chr12:25,227,310, T>A on the plus strand (A>T on the coding strand, the complement: KRAS is on the minus strand). VCF-style: chr12-25227310-T-A. GRCh37 (hg19) VCF-style: chr12-25380244-T-A.
Other names: c.214A>T, p.Met72Leu (NM_001369786.1, NM_001369787.1, NM_033360.4); c.214A>T (NM_033360.3); short protein forms M72L.
Identifiers: ClinVar variation 179141 (VCV000179141.13), dbSNP rs727504662, ClinGen allele CA273592.

ClinVar aggregate classification (germline): Pathogenic/Likely pathogenic. Review status: criteria provided, multiple submitters, no conflicts (2 of 4 stars). 4 submissions from 4 submitters: Pathogenic (3); Likely pathogenic (1). Last evaluated 2025-05-17.

Conditions:
RASopathy. Also called: rasopathies; Noonan spectrum disorder. Identifiers: Orphanet 536391, MedGen C5555857, MONDO:0021060.
Noonan syndrome (NS). Also called: Noonan's syndrome. Identifiers: Orphanet 648, MedGen C0028326, MeSH D009634, MONDO:0018997. Disease mechanism: gain of function.

Submissions (4):

GeneDx
Classification: Likely pathogenic. Last evaluated: 2025-05-17. Review status: criteria provided, single submitter. Criteria: GeneDx Variant Classification Process June 2021. Collection method: clinical testing. Allele origin: germline. Affected: yes.
Comment: Not observed at significant frequency in large population cohorts (gnomAD); In silico analysis supports that this missense variant has a deleterious effect on protein structure/function; Missense variants in this gene are a common cause of disease and they are underrepresented in the general population; Has not been previously published as pathogenic or benign to our knowledge

Labcorp Genetics (formerly Invitae), Labcorp
Classification: Pathogenic for RASopathy. Last evaluated: 2024-01-11. Review status: criteria provided, single submitter. Criteria: Invitae Variant Classification Sherloc (09022015). Collection method: clinical testing. Allele origin: germline.
Comment: This sequence change replaces methionine, which is neutral and non-polar, with leucine, which is neutral and non-polar, at codon 72 of the KRAS protein (p.Met72Leu). This variant is not present in population databases (gnomAD no frequency). This missense change has been observed in individual(s) with Noonan syndrome (PMID: 22488932, 35979676; Invitae). In at least one individual the variant was observed to be de novo. It has also been observed to segregate with disease in related individuals. ClinVar contains an entry for this variant (Variation ID: 179141). An algorithm developed to predict the effect of missense changes on protein structure and function (PolyPhen-2) suggests that this variant is likely to be tolerated. For these reasons, this variant has been classified as Pathogenic.

Women's Health and Genetics/Laboratory Corporation of America, LabCorp
Classification: Pathogenic for RASopathy. Last evaluated: 2023-02-15. Review status: criteria provided, single submitter. Criteria: LabCorp Variant Classification Summary - May 2015. Collection method: clinical testing. Allele origin: germline.
Comment: Variant summary: KRAS c.214A>T (p.Met72Leu) results in a conservative amino acid change located in the Small GTP-binding protein domain (IPR005225) of the encoded protein sequence. Four of five in-silico tools predict a benign effect of the variant on protein function. The variant was absent in 251324 control chromosomes (gnomAD). Another variant (c.214A>C) causing the same amino acid change (i.e. p.Met72Leu) has been reported in the literature, segregating with disease, in 3 affected individuals from one family affected with Noonan syndrome (Brasil_2012). Two clinical diagnostic laboratories have submitted clinical-significance assessments for c.214A>T to ClinVar after 2014 and classified the variant as pathogenic/likely pathogenic. One of the submitters cites evidence of the variant identified in 1 individual with clinical features of Noonan syndrome and segregated with disease in 1 affected relative (SCV000205637.4). These data indicate that the variant is very likely to be associated with disease. To our knowledge, no experimental evidence demonstrating an impact on protein function has been reported. Based on the evidence outlined above, the variant was classified as pathogenic.

Laboratory for Molecular Medicine, Mass General Brigham Personalized Medicine
Classification: Pathogenic for Noonan syndrome. Last evaluated: 2015-11-12. Review status: criteria provided, single submitter. Criteria: LMM Criteria. Collection method: clinical testing. Allele origin: germline. Inheritance: Autosomal dominant inheritance. Observed: 2 variant alleles.
Comment: Additionally, a different nucleotide change (c.214 A>C ) resulting in the same p.Met72Leu variant has also been reported in 1 indiv idual with clinical features of Noonan syndrome, who was de novo for the variant , and passed the variant on to 2 relatives with clinical features of Noonan sy ndrome (Brasil 2012). Both variants were absent from large population studies. I n summary, this variant meets our criteria to be classified as pathogenic for No onan syndrome in an autosomal dominant manner based upon de novo occurrence, seg regation studies, and absence from controls.

Literature cited by the submitters: PubMed 22488932 (cited by 3 submitters); PubMed 35979676 (cited by Labcorp Genetics (formerly Invitae), Labcorp).